The following is an entry in ClinVar:

NM_001377265.1(MAPT):c.1801C>T (p.Arg601Cys)

Gene: MAPT (microtubule associated protein tau). Cytogenetic location: 17q21.31.
Variant type: single nucleotide variant.
Coding change: c.1801C>T on transcript NM_001377265.1 (MANE Select); coding-DNA position 1801, C replaced by T.
Protein change: p.Arg601Cys; replaces arginine 601 with cysteine.
Molecular consequence: missense variant.
Genome position (GRCh38, 1-based): chr17:45,996,467, C>T. VCF-style: chr17-45996467-C-T. GRCh37 (hg19) VCF-style: chr17-44073833-C-T.
Other names: c.1630C>T, p.Arg544Cys (NM_001123066.4); c.538C>T, p.Arg180Cys (NM_001123067.4, NM_001203251.2, NM_001377267.1); c.625C>T, p.Arg209Cys (NM_001203252.2, NM_005910.6); c.1603C>T, p.Arg535Cys (NM_001377266.1); c.451C>T, p.Arg151Cys (NM_001377268.1, NM_016834.5, NM_016841.5); c.1576C>T, p.Arg526Cys (NM_016835.5); c.1630C>T (NM_001123066.3); short protein forms R601C, R535C, R544C, R209C, R526C, R151C, R180C.
Identifiers: ClinVar variation 892460 (VCV000892460.10), dbSNP rs138984221, ClinGen allele CA8618036.

ClinVar aggregate classification (germline): Conflicting classifications of pathogenicity. Review status: criteria provided, conflicting classifications (1 of 4 stars). 3 submissions from 3 submitters: Uncertain significance (2); Benign (1). Last evaluated 2026-05-29.

Conditions:
MAPT-related disorder. Also called: MAPT-related condition; MAPT-Related Disorders.
Frontotemporal dementia (FTD1). Also called: Dementia, frontotemporal, with or without parkinsonism; Frontotemporal lobe dementia (FLDEM); WILHELMSEN-LYNCH DISEASE; FRONTOTEMPORAL LOBAR DEGENERATION WITH TAU INCLUSIONS; FTLD WITH TAU INCLUSIONS; Frontotemporal Dementia with Parkinsonism-17 (FTDP-17). Identifiers: Orphanet 282, MedGen C0338451, MONDO:0017276, OMIM 600274, HP:0002145.
MAPT-Related Spectrum Disorders.

Allele frequency attached by ClinVar (database versions not stated): TOPMed 0.00002; ExAC 0.00003; gnomAD exomes 0.00003 and 0.00006; ESP Exome Variant Server 0.00008.
gnomAD v4.1: 45 of 1,612,970 alleles (0.0028%); highest among the groups gnomAD compares: Admixed American, 0.038%; no homozygotes.

Submissions (3):

PreventionGenetics, part of Exact Sciences
Classification: Uncertain significance for MAPT-related condition. Last evaluated: 2026-05-29. Review status: criteria provided, single submitter. Criteria: ACMG Guidelines, 2015. Collection method: clinical testing. Allele origin: germline.
Comment: The MAPT c.1630C>T variant is predicted to result in the amino acid substitution p.Arg544Cys. To our knowledge, this variant has not been reported in the literature. This variant is reported in 0.043% of alleles in individuals of Latino descent in gnomAD. At this time, the clinical significance of this variant is uncertain due to the absence of conclusive functional and genetic evidence.

Labcorp Genetics (formerly Invitae), Labcorp
Classification: Uncertain significance for Frontotemporal dementia. Last evaluated: 2025-06-16. Review status: criteria provided, single submitter. Criteria: Invitae Variant Classification Sherloc (09022015). Collection method: clinical testing. Allele origin: germline.
Comment: This sequence change replaces arginine, which is basic and polar, with cysteine, which is neutral and slightly polar, at codon 209 of the MAPT protein (p.Arg209Cys). This variant is present in population databases (rs138984221, gnomAD 0.04%), and has an allele count higher than expected for a pathogenic variant. This variant has not been reported in the literature in individuals affected with MAPT-related conditions. ClinVar contains an entry for this variant (Variation ID: 892460). Invitae Evidence Modeling of protein sequence and biophysical properties (such as structural, functional, and spatial information, amino acid conservation, physicochemical variation, residue mobility, and thermodynamic stability) indicates that this missense variant is expected to disrupt MAPT protein function with a positive predictive value of 80%. In summary, the available evidence is currently insufficient to determine the role of this variant in disease. Therefore, it has been classified as a Variant of Uncertain Significance.

Illumina Laboratory Services, Illumina
Classification: Benign for MAPT-Related Spectrum Disorders. Last evaluated: 2018-01-13. Review status: criteria provided, single submitter. Criteria: ICSL Variant Classification Criteria 13 December 2019. Collection method: clinical testing. Allele origin: germline.
Comment: This variant was observed in the ICSL laboratory as part of a predisposition screen in an ostensibly healthy population. It had not been previously curated by ICSL or reported in the Human Gene Mutation Database (HGMD: prior to June 1st, 2018), and was therefore a candidate for classification through an automated scoring system. Utilizing variant allele frequency, disease prevalence and penetrance estimates, and inheritance mode, an automated score was calculated to assess if this variant is too frequent to cause the disease. Based on the score and internal cut-off values, a variant classified as benign is not then subjected to further curation. The score for this variant resulted in a classification of benign for this disease.